The following is an entry in ClinVar:

ClinVar aggregate classification (germline): Uncertain significance. Review status: criteria provided, multiple submitters, no conflicts (2 of 4 stars). 2 submissions from 2 submitters: Uncertain significance (2). Last evaluated 2024-09-04.

Conditions:
Inborn genetic diseases. Identifiers: MedGen C0950123, MeSH D030342.
Hereditary spastic paraplegia 54. Also called: Spastic paraplegia 54, autosomal recessive. Identifiers: Orphanet 320380, MedGen C3539495, MONDO:0014018, OMIM 615033.

Allele frequency attached by ClinVar (database versions not stated): gnomAD 0.00009; TOPMed 0.00009; gnomAD exomes 0.00011 and 0.00017; ESP Exome Variant Server 0.00015; ExAC 0.00019.
gnomAD v4.1: 252 of 1,613,738 alleles (0.016%); highest among the groups gnomAD compares: Non-Finnish European, 0.021%; no homozygotes.

Submissions (2):

Ambry Genetics
Classification: Uncertain significance for Inborn genetic diseases. Last evaluated: 2024-09-04. Review status: criteria provided, single submitter. Criteria: Ambry Variant Classification Scheme 2023. Collection method: clinical testing. Allele origin: germline.

Labcorp Genetics (formerly Invitae), Labcorp
Classification: Uncertain significance for Hereditary spastic paraplegia 54. Last evaluated: 2022-03-18. Review status: criteria provided, single submitter. Criteria: Invitae Variant Classification Sherloc (09022015). Collection method: clinical testing. Allele origin: germline.
Comment: This sequence change replaces threonine, which is neutral and polar, with proline, which is neutral and non-polar, at codon 625 of the DDHD2 protein (p.Thr625Pro). This variant is present in population databases (rs369779587, gnomAD 0.02%). This variant has not been reported in the literature in individuals affected with DDHD2-related conditions. ClinVar contains an entry for this variant (Variation ID: 648161). Algorithms developed to predict the effect of missense changes on protein structure and function (SIFT, PolyPhen-2, Align-GVGD) all suggest that this variant is likely to be tolerated. In summary, the available evidence is currently insufficient to determine the role of this variant in disease. Therefore, it has been classified as a Variant of Uncertain Significance.

NM_015214.3(DDHD2):c.1873A>C (p.Thr625Pro)

Gene: DDHD2 (DDHD domain containing 2; plus strand). Cytogenetic location: 8p11.23.
Variant type: single nucleotide variant.
Coding change: c.1873A>C on transcript NM_015214.3 (MANE Select); coding-DNA position 1873, A replaced by C.
Protein change: p.Thr625Pro; replaces threonine 625 with proline.
Molecular consequence: missense variant. On other transcripts: non-coding transcript variant (2).
Genome position (GRCh38, 1-based): chr8:38,253,109, A>C. VCF-style: chr8-38253109-A-C. GRCh37 (hg19) VCF-style: chr8-38110627-A-C.
Other names: c.1873A>C, p.Thr625Pro (NM_001164232.2, NM_001362911.2, NM_001362912.2 and 1 more transcripts); c.1783A>C, p.Thr595Pro (NM_001362913.2); short protein forms T595P, T625P.
Identifiers: ClinVar variation 648161 (VCV000648161.4), dbSNP rs369779587, ClinGen allele CA4716380.
Genomic context (GRCh38, chr8:38,253,109, plus strand): 5'-CCATACCCTGCCTTACAAGCTTCAGAAACACCAGAAGAAACTGAAGCAGAACCTGAATCA[A>C]CTTCAGAGAAGCCTAGTGGTCAGTGACACTGTACACATTGACCAGCTGCCAGATAAGAGG-3'
Protein context (NP_056029.2, residues 615-635): PEETEAEPES[Thr625Pro]SEKPSDVNTE